The following is an entry in ClinVar:

ClinVar aggregate classification (germline): Conflicting classifications of pathogenicity. Review status: criteria provided, conflicting classifications (1 of 4 stars). 2 submissions from 2 submitters: Uncertain significance (1); Likely benign (1). Last evaluated 2023-04-24.

Conditions:
Primary familial hypertrophic cardiomyopathy (HCM). Identifiers: Orphanet 99739, MedGen C0949658, MeSH D024741, MONDO:0024573. Inheritance: Various modes of inheritance.

Allele frequency attached by ClinVar (database versions not stated): ExAC 0.00001; gnomAD exomes 0.00001.
gnomAD v4.1: 3 of 1,614,184 alleles (0.00019%); highest among the groups gnomAD compares: Admixed American, 0.0033%; no homozygotes.

Submissions (2):

Blueprint Genetics
Classification: Likely benign. Last evaluated: 2023-04-24. Review status: criteria provided, single submitter. Criteria: ACMG Guidelines, 2015. Collection method: clinical testing. Allele origin: germline.

Labcorp Genetics (formerly Invitae), Labcorp
Classification: Uncertain significance for Primary familial hypertrophic cardiomyopathy. Last evaluated: 2023-04-20. Review status: criteria provided, single submitter. Criteria: Invitae Variant Classification Sherloc (09022015). Collection method: clinical testing. Allele origin: germline.
Comment: In summary, the available evidence is currently insufficient to determine the role of this variant in disease. Therefore, it has been classified as a Variant of Uncertain Significance. An algorithm developed to predict the effect of missense changes on protein structure and function (PolyPhen-2) suggests that this variant is likely to be tolerated. This variant has not been reported in the literature in individuals affected with ILK-related conditions. This variant is present in population databases (rs754252138, gnomAD 0.006%). This sequence change replaces valine, which is neutral and non-polar, with isoleucine, which is neutral and non-polar, at codon 280 of the ILK protein (p.Val280Ile).

NM_004517.4(ILK):c.838G>A (p.Val280Ile)

Genes: ILK (integrin linked kinase; plus strand), TAF10 (TATA-box binding protein associated factor 10; minus strand). Cytogenetic location: 11p15.4.
Variant type: single nucleotide variant.
Coding change: c.838G>A on transcript NM_004517.4 (MANE Select); coding-DNA position 838, G replaced by A.
Protein change: p.Val280Ile; replaces valine 280 with isoleucine.
Molecular consequence: missense variant. On other transcripts: 3 prime UTR variant (1).
Genome position (GRCh38, 1-based): chr11:6,609,621, G>A. VCF-style: chr11-6609621-G-A. GRCh37 (hg19) VCF-style: chr11-6630852-G-A.
Other names: c.838G>A, p.Val280Ile (NM_001014794.3, NM_001014795.3); c.655G>A, p.Val219Ile (NM_001278441.2); c.436G>A, p.Val146Ile (NM_001278442.2); c.*1301C>T (NM_006284.4); short protein forms V219I, V280I, V146I.
Identifiers: ClinVar variation 3021508 (VCV003021508.4), dbSNP rs754252138, ClinGen allele CA5858195.